The following is an entry in ClinVar:

ClinVar aggregate classification (germline): Uncertain significance (1 of 4 stars; one submission).

Conditions:
Glycine encephalopathy. Also called: Non-ketotic hyperglycinemia; Nonketotic hyperglycinemia. Identifiers: Orphanet 407, MedGen C0751748, MONDO:0011612, HP:0008288.

Submission:

Labcorp Genetics (formerly Invitae), Labcorp
Classification: Uncertain significance for Glycine encephalopathy. Last evaluated: 2021-08-17. Review status: criteria provided, single submitter. Criteria: Invitae Variant Classification Sherloc (09022015). Collection method: clinical testing. Allele origin: germline.
Comment: This sequence change replaces glutamine with histidine at codon 1015 of the GLDC protein (p.Gln1015His). The glutamine residue is moderately conserved and there is a small physicochemical difference between glutamine and histidine. This variant is not present in population databases (ExAC no frequency). This variant has not been reported in the literature in individuals affected with GLDC-related conditions. Advanced modeling of protein sequence and biophysical properties (such as structural, functional, and spatial information, amino acid conservation, physicochemical variation, residue mobility, and thermodynamic stability) performed at Invitae indicates that this missense variant is not expected to disrupt GLDC protein function. In summary, the available evidence is currently insufficient to determine the role of this variant in disease. Therefore, it has been classified as a Variant of Uncertain Significance.

NM_000170.3(GLDC):c.3045A>T (p.Gln1015His)

Gene: GLDC (glycine decarboxylase; minus strand). Cytogenetic location: 9p24.1.
Variant type: single nucleotide variant.
Coding change: c.3045A>T on transcript NM_000170.3 (MANE Select); coding-DNA position 3045, A replaced by T.
Protein change: p.Gln1015His; replaces glutamine 1015 with histidine.
Molecular consequence: missense variant.
Genome position (GRCh38, 1-based): chr9:6,533,035, T>A on the plus strand (A>T on the coding strand, the complement: GLDC is on the minus strand). VCF-style: chr9-6533035-T-A. GRCh37 (hg19) VCF-style: chr9-6533035-T-A.
Other names: short protein forms Q1015H.
Identifiers: ClinVar variation 1443190 (VCV001443190.6), dbSNP rs2129641086, ClinGen allele CA372881518.
Genomic context (GRCh38, chr9:6,533,035, plus strand): 5'-GGAGAGGCATCAAATCAGTCCTTTAAACTTAGGGACAGAGGACTAAGAAGACGCCCTCTT[T>A]TGTTCAGAAAATGGAGACTCATAAACTTCCATGGGTGGGCAGGTACAAACCAGGTGCTGA-3'
Protein context (NP_000161.2, residues 1005-1020): MEVYESPFSE[Gln1015His]KRASS